The following is an entry in ClinVar:

ClinVar aggregate classification (germline): Uncertain significance. Review status: criteria provided, multiple submitters, no conflicts (2 of 4 stars). 2 submissions from 2 submitters: Uncertain significance (2). Last evaluated 2024-09-27.

Conditions:
Inborn genetic diseases. Identifiers: MedGen C0950123, MeSH D030342.

Allele frequency attached by ClinVar (database versions not stated): TOPMed 0.00001; gnomAD exomes 0.00001; ExAC 0.00001.
gnomAD v4.1: 11 of 1,210,478 alleles (0.00091%); highest among the groups gnomAD compares: Admixed American, 0.0022%; no homozygotes.

Submissions (2):

Ambry Genetics
Classification: Uncertain significance for Inborn genetic diseases. Last evaluated: 2024-09-27. Review status: criteria provided, single submitter. Criteria: Ambry Variant Classification Scheme 2023. Collection method: clinical testing. Allele origin: germline.

GeneDx
Classification: Uncertain significance. Last evaluated: 2017-09-11. Review status: criteria provided, single submitter. Criteria: GeneDx Variant Classification (06012015). Collection method: clinical testing. Allele origin: germline. Affected: yes.
Comment: The V59I variant in the SSR4 gene has not been reported previously as a pathogenic variant, nor as abenign variant, to our knowledge. The V59I variant was not observed in approximately 6,500individuals of European and African American ancestry in the NHLBI Exome Sequencing Project,indicating it is not a common benign variant in these populations. The V59I variant is a conservativeamino acid substitution, which is not likely to impact secondary protein structure as these residuesshare similar properties. This substitution occurs at a position that is conserved across species. In silicoanalysis predicts this variant is probably damaging to the protein structure/function. We interpretV59I as a variant of uncertain significance.

NM_006280.3(SSR4):c.142G>A (p.Val48Ile)

Gene: SSR4 (signal sequence receptor subunit 4; plus strand). Cytogenetic location: Xq28.
Variant type: single nucleotide variant.
Coding change: c.142G>A on transcript NM_006280.3 (MANE Select); coding-DNA position 142, G replaced by A.
Protein change: p.Val48Ile; replaces valine 48 with isoleucine.
Molecular consequence: missense variant.
Genome position (GRCh38, 1-based): chrX:153,796,508, G>A. VCF-style: chrX-153796508-G-A. GRCh37 (hg19) VCF-style: chrX-153061963-G-A.
Other names: c.175G>A, p.Val59Ile (NM_001204526.2); c.166G>A, p.Val56Ile (NM_001204527.2); short protein forms V56I, V59I, V48I.
Identifiers: ClinVar variation 449627 (VCV000449627.3), dbSNP rs782739266, ClinGen allele CA10553254.